The following is an entry in ClinVar:

NM_005732.4(RAD50):c.886-1G>C

Gene: RAD50 (RAD50 double strand break repair protein; plus strand). Cytogenetic location: 5q31.1.
Variant type: single nucleotide variant.
Coding change: c.886-1G>C on transcript NM_005732.4 (MANE Select); the canonical splice acceptor site of the intron before coding-DNA position 886, G replaced by C.
Molecular consequence: splice acceptor variant.
Genome position (GRCh38, 1-based): chr5:132,587,923, G>C. VCF-style: chr5-132587923-G-C. GRCh37 (hg19) VCF-style: chr5-131923615-G-C.
Identifiers: ClinVar variation 822782 (VCV000822782.10), dbSNP rs1580992079, ClinGen allele CA360940708.

ClinVar aggregate classification (germline): Likely pathogenic. Review status: criteria provided, multiple submitters, no conflicts (2 of 4 stars). 2 submissions from 2 submitters: Likely pathogenic (2). Last evaluated 2023-03-14.

Conditions:
Hereditary cancer-predisposing syndrome. Also called: Tumor predisposition; Hereditary Cancer Syndrome; Neoplastic Syndromes, Hereditary; Hereditary neoplastic syndrome. Identifiers: Orphanet 140162, MedGen C0027672, MeSH D009386, MONDO:0015356.

Submissions (2):

Labcorp Genetics (formerly Invitae), Labcorp
Classification: Likely pathogenic for Hereditary cancer-predisposing syndrome. Last evaluated: 2023-03-14. Review status: criteria provided, single submitter. Criteria: Invitae Variant Classification Sherloc (09022015). Collection method: clinical testing. Allele origin: germline.
Comment: ClinVar contains an entry for this variant (Variation ID: 822782). In summary, the currently available evidence indicates that the variant is pathogenic, but additional data are needed to prove that conclusively. Therefore, this variant has been classified as Likely Pathogenic. Studies have shown that disruption of this splice site results in skipping of exon 7 and activation of a cryptic splice site and introduces a premature termination codon (Invitae). The resulting mRNA is expected to undergo nonsense-mediated decay. This variant has not been reported in the literature in individuals affected with RAD50-related conditions. This variant is not present in population databases (gnomAD no frequency). This sequence change affects an acceptor splice site in intron 6 of the RAD50 gene. RNA analysis indicates that disruption of this splice site induces altered splicing and may result in an absent or disrupted protein product.

Ambry Genetics
Classification: Likely pathogenic for Hereditary cancer-predisposing syndrome. Last evaluated: 2019-12-18. Review status: criteria provided, single submitter. Criteria: Ambry Variant Classification Scheme 2023. Collection method: clinical testing. Allele origin: germline.
Comment: The c.886-1G>C intronic variant results from a G to C substitution one nucleotide upstream from coding exon 7 of the RAD50 gene. This nucleotide position is highly conserved in available vertebrate species. Based on two different splice site prediction tools, this alteration is expected to abolish the native splice acceptor site by BDGP and ESEfinder predicts the creation of a new alternate splice acceptor site; however, direct evidence is unavailable. Alterations that disrupt the canonical splice site are expected to cause aberrant splicing, resulting in an abnormal protein or a transcript that is subject to nonsense-mediated mRNA decay. As such, this alteration is classified as likely pathogenic.